The following is an entry in ClinVar:

ClinVar aggregate classification (germline): Benign/Likely benign. Review status: criteria provided, multiple submitters, no conflicts (2 of 4 stars). 2 submissions from 2 submitters: Benign (1); Likely benign (1). Last evaluated 2025-12-10.

Conditions:
HCFC1-related disorder. Also called: HCFC1-related condition.
Methylmalonic acidemia with homocystinuria, type cblX (MAHCX). Also called: INTELLECTUAL DEVELOPMENTAL DISORDER, X-LINKED 3. Identifiers: Orphanet 369962, MedGen C0796208, MONDO:0010657, OMIM 309541.

Allele frequency attached by ClinVar (database versions not stated): gnomAD exomes 0.00002 and 0.00005; ExAC 0.00004; gnomAD 0.00005 and 0.00007; TOPMed 0.00007.
gnomAD v4.1: 32 of 1,184,630 alleles (0.0027%); highest among the groups gnomAD compares: African/African-American, 0.018%; no homozygotes.

Submissions (2):

PreventionGenetics, part of Exact Sciences
Classification: Likely benign for HCFC1-related condition. Last evaluated: 2025-12-10. Review status: criteria provided, single submitter. Criteria: ACMG Guidelines, 2015. Collection method: clinical testing. Allele origin: germline.
Comment: This variant is classified as likely benign based on ACMG/AMP sequence variant interpretation guidelines (Richards et al. 2015 PMID: 25741868, with internal and published modifications).

Labcorp Genetics (formerly Invitae), Labcorp
Classification: Benign for Methylmalonic acidemia with homocystinuria, type cblX. Last evaluated: 2023-12-19. Review status: criteria provided, single submitter. Criteria: Invitae Variant Classification Sherloc (09022015). Collection method: clinical testing. Allele origin: germline.

NM_005334.3(HCFC1):c.1398G>A (p.Thr466=)

Gene: HCFC1 (host cell factor C1; minus strand). Cytogenetic location: Xq28.
Variant type: single nucleotide variant.
Coding change: c.1398G>A on transcript NM_005334.3 (MANE Select); coding-DNA position 1398, G replaced by A.
Protein change: p.Thr466=; no amino-acid change (threonine 466 retained).
Molecular consequence: synonymous variant.
Genome position (GRCh38, 1-based): chrX:153,959,848, C>T on the plus strand (G>A on the coding strand, the complement: HCFC1 is on the minus strand). VCF-style: chrX-153959848-C-T. GRCh37 (hg19) VCF-style: chrX-153225299-C-T.
Identifiers: ClinVar variation 835995 (VCV000835995.11), dbSNP rs782754046, ClinGen allele CA10557518.